The following is an entry in ClinVar:

ClinVar aggregate classification (germline): Uncertain significance (1 of 4 stars; one submission).

gnomAD v4.1: 1 of 1,612,638 alleles (0.000062%); highest among the groups gnomAD compares: Non-Finnish European, 0.000085%; no homozygotes.

Submission:

Ambry Genetics
Classification: Uncertain significance. Last evaluated: 2024-12-06. Review status: criteria provided, single submitter. Criteria: Ambry Variant Classification Scheme 2023. Collection method: clinical testing. Allele origin: germline.
Comment: The p.A1570S variant (also known as c.4708G>T), located in coding exon 19 of the WNK2 gene, results from a G to T substitution at nucleotide position 4708. The alanine at codon 1570 is replaced by serine, an amino acid with similar properties. This amino acid position is conserved. In addition, this alteration is predicted to be tolerated by in silico analysis. Based on the available evidence, the clinical significance of this variant remains unclear.

NM_006648.4(WNK2):c.4708G>T (p.Ala1570Ser)

Gene: WNK2 (WNK lysine deficient protein kinase 2; plus strand). Cytogenetic location: 9q22.31.
Variant type: single nucleotide variant.
Coding change: c.4708G>T on transcript NM_006648.4 (MANE Select); coding-DNA position 4708, G replaced by T.
Protein change: p.Ala1570Ser; replaces alanine 1570 with serine.
Molecular consequence: missense variant.
Genome position (GRCh38, 1-based): chr9:93,289,462, G>T. VCF-style: chr9-93289462-G-T. GRCh37 (hg19) VCF-style: chr9-96051744-G-T.
Other names: c.4819G>T, p.Ala1607Ser (NM_001282394.3); short protein forms A1607S, A1570S.
Identifiers: ClinVar variation 3470602 (VCV003470602.1).